The following is an entry in ClinVar:

NM_004655.4(AXIN2):c.1297G>C (p.Glu433Gln)

Gene: AXIN2 (axin 2; minus strand). Cytogenetic location: 17q24.1.
Variant type: single nucleotide variant.
Coding change: c.1297G>C on transcript NM_004655.4 (MANE Select); coding-DNA position 1297, G replaced by C.
Protein change: p.Glu433Gln; replaces glutamic acid 433 with glutamine.
Molecular consequence: missense variant.
Genome position (GRCh38, 1-based): chr17:65,537,739, C>G on the plus strand (G>C on the coding strand, the complement: AXIN2 is on the minus strand). VCF-style: chr17-65537739-C-G. GRCh37 (hg19) VCF-style: chr17-63533857-C-G.
Other names: c.1297G>C, p.Glu433Gln (NM_001363813.1); c.1297G>C (LRG_296t1); short protein forms E433Q.
Identifiers: ClinVar variation 464535 (VCV000464535.11), dbSNP rs1168951676, ClinGen allele CA400677793.
Genomic context (GRCh38, chr17:65,537,739, plus strand): 5'-GGCAGCCAGGGGTCTTGAGGACCCTGGACAGGTGATCGTCCAGTATCGTCTGCGGGTCTT[C>G]CTCGTAGCTGCCGGAGGGCAGTAGGGAGAGGGGGTGCTGCGTGGGCGCCCCCTCCCGCGA-3'
Protein context (NP_004646.3, residues 423-443): LSLLPSGSYE[Glu433Gln]DPQTILDDHL

ClinVar aggregate classification (germline): Uncertain significance. Review status: criteria provided, multiple submitters, no conflicts (2 of 4 stars). 2 submissions from 2 submitters: Uncertain significance (2). Last evaluated 2024-07-15.

Conditions:
Hereditary cancer-predisposing syndrome. Also called: Neoplastic Syndromes, Hereditary; Tumor predisposition; Hereditary Cancer Syndrome; Hereditary neoplastic syndrome. Identifiers: Orphanet 140162, MedGen C0027672, MeSH D009386, MONDO:0015356.
Oligodontia-cancer predisposition syndrome. Also called: TOOTH AGENESIS-COLORECTAL CANCER SYNDROME. Identifiers: Orphanet 300576, MedGen C1837750, MONDO:0012075, OMIM 608615. Disease mechanism: loss of function.

Allele frequency attached by ClinVar (database versions not stated): gnomAD exomes below 0.00001 and 0.00001; gnomAD 0.00001.
gnomAD v4.1: 7 of 1,567,802 alleles (0.00045%); highest among the groups gnomAD compares: African/African-American, 0.0014%; no homozygotes.

Submissions (2):

Ambry Genetics
Classification: Uncertain significance for Hereditary cancer-predisposing syndrome. Last evaluated: 2024-07-15. Review status: criteria provided, single submitter. Criteria: Ambry Variant Classification Scheme 2023. Collection method: clinical testing. Allele origin: germline.
Comment: The p.E433Q variant (also known as c.1297G>C), located in coding exon 5 of the AXIN2 gene, results from a G to C substitution at nucleotide position 1297. The glutamic acid at codon 433 is replaced by glutamine, an amino acid with highly similar properties. This amino acid position is conserved. In addition, this alteration is predicted to be tolerated by in silico analysis. Since supporting evidence is limited at this time, the clinical significance of this alteration remains unclear.

Labcorp Genetics (formerly Invitae), Labcorp
Classification: Uncertain significance for Oligodontia-cancer predisposition syndrome. Last evaluated: 2023-09-27. Review status: criteria provided, single submitter. Criteria: Invitae Variant Classification Sherloc (09022015). Collection method: clinical testing. Allele origin: germline.
Comment: In summary, the available evidence is currently insufficient to determine the role of this variant in disease. Therefore, it has been classified as a Variant of Uncertain Significance. Advanced modeling of protein sequence and biophysical properties (such as structural, functional, and spatial information, amino acid conservation, physicochemical variation, residue mobility, and thermodynamic stability) has been performed at Invitae for this missense variant, however the output from this modeling did not meet the statistical confidence thresholds required to predict the impact of this variant on AXIN2 protein function. ClinVar contains an entry for this variant (Variation ID: 464535). This variant has not been reported in the literature in individuals affected with AXIN2-related conditions. The frequency data for this variant in the population databases is considered unreliable, as metrics indicate poor data quality at this position in the gnomAD database. This sequence change replaces glutamic acid, which is acidic and polar, with glutamine, which is neutral and polar, at codon 433 of the AXIN2 protein (p.Glu433Gln).